The following is an entry in ClinVar:

ClinVar aggregate classification (germline): Benign (1 of 4 stars; one submission).

Conditions:
Lung cancer. Also called: Lung cancer, somatic; Malignant tumor of lung. Identifiers: MedGen C0242379, MONDO:0008903, OMIM 211980.

Submission:

Myriad Genetics, Inc.
Classification: Benign for Lung cancer. Last evaluated: 2024-10-16. Review status: criteria provided, single submitter. Criteria: Myriad Autosomal Dominant, Autosomal Recessive and X-Linked Classification Criteria (2023). Collection method: clinical testing. Allele origin: unknown.
Comment: This variant is considered benign. This variant is a silent/synonymous amino acid change and it is not expected to impact splicing.

NM_005228.5(EGFR):c.2070G>A (p.Glu690=)

Gene: EGFR (epidermal growth factor receptor; plus strand). Cytogenetic location: 7p11.2.
Variant type: single nucleotide variant.
Coding change: c.2070G>A on transcript NM_005228.5 (MANE Select); coding-DNA position 2070, G replaced by A.
Protein change: p.Glu690=; no amino-acid change (glutamic acid 690 retained).
Molecular consequence: synonymous variant.
Genome position (GRCh38, 1-based): chr7:55,173,929, G>A. VCF-style: chr7-55173929-G-A. GRCh37 (hg19) VCF-style: chr7-55241622-G-A.
Other names: c.1935G>A, p.Glu645= (NM_001346897.2, NM_001346899.2); c.2070G>A, p.Glu690= (NM_001346898.2); c.1911G>A, p.Glu637= (NM_001346900.2); c.1269G>A, p.Glu423= (NM_001346941.2).
Identifiers: ClinVar variation 3773328 (VCV003773328.1).
Genomic context (GRCh38, chr7:55,173,929, plus strand): 5'-AGCATGGTGAGGGCTGAGGTGACCCTTGTCTCTGTGTTCTTGTCCCCCCCAGCTTGTGGA[G>A]CCTCTTACACCCAGTGGAGAAGCTCCCAACCAAGCTCTCTTGAGGATCTTGAAGGAAACT-3'
Protein context (NP_005219.2, residues 680-700): RRLLQERELV[Glu690=]PLTPSGEAPN